The following is an entry in ClinVar:

NM_000059.4(BRCA2):c.10022A>G (p.Asp3341Gly)

Gene: BRCA2 (BRCA2 DNA repair associated; plus strand). Cytogenetic location: 13q13.1.
Variant type: single nucleotide variant.
Coding change: c.10022A>G on transcript NM_000059.4 (MANE Select); coding-DNA position 10022, A replaced by G.
Protein change: p.Asp3341Gly; replaces aspartic acid 3341 with glycine.
Molecular consequence: missense variant.
Genome position (GRCh38, 1-based): chr13:32,398,535, A>G. VCF-style: chr13-32398535-A-G. GRCh37 (hg19) VCF-style: chr13-32972672-A-G.
Other names: short protein forms D3341G.
Identifiers: ClinVar variation 185307 (VCV000185307.20), dbSNP rs786202073, ClinGen allele CA010048.

ClinVar aggregate classification (germline): Uncertain significance. Review status: criteria provided, multiple submitters, no conflicts (2 of 4 stars). 4 submissions from 4 submitters: Uncertain significance (4). Last evaluated 2025-11-24.

Conditions:
Hereditary cancer. Identifiers: MedGen C1333600.
Hereditary cancer-predisposing syndrome. Also called: Hereditary neoplastic syndrome; Neoplastic Syndromes, Hereditary; Tumor predisposition; Hereditary Cancer Syndrome. Identifiers: Orphanet 140162, MedGen C0027672, MeSH D009386, MONDO:0015356.
Hereditary breast ovarian cancer syndrome. Also called: Hereditary breast and ovarian cancer syndrome (HBOC); Breast and ovarian cancer; Hereditary breast and/or ovarian cancer syndrome; BRCA1- and BRCA2-Associated Hereditary Breast and Ovarian Cancer; Hereditary breast and ovarian cancer syndrome; Hereditary breast and ovarian cancer. Identifiers: Orphanet 145, MedGen C0677776, MeSH D061325, MONDO:0003582. Disease mechanism: loss of function.

Submissions (4):

Ambry Genetics
Classification: Uncertain significance for Hereditary cancer-predisposing syndrome. Last evaluated: 2025-11-24. Review status: criteria provided, single submitter. Criteria: Ambry Variant Classification Scheme 2023. Collection method: clinical testing. Allele origin: germline.
Comment: The p.D3341G variant (also known as c.10022A>G), located in coding exon 26 of the BRCA2 gene, results from an A to G substitution at nucleotide position 10022. The aspartic acid at codon 3341 is replaced by glycine, an amino acid with similar properties. This amino acid position is highly conserved in available vertebrate species. In addition, this alteration is predicted to be tolerated by in silico analysis. Since supporting evidence is limited at this time, the clinical significance of this alteration remains unclear.

Labcorp Genetics (formerly Invitae), Labcorp
Classification: Uncertain significance for Hereditary breast ovarian cancer syndrome. Last evaluated: 2025-09-10. Review status: criteria provided, single submitter. Criteria: Invitae Variant Classification Sherloc (09022015). Collection method: clinical testing. Allele origin: germline.
Comment: This sequence change replaces aspartic acid, which is acidic and polar, with glycine, which is neutral and non-polar, at codon 3341 of the BRCA2 protein (p.Asp3341Gly). This variant is not present in population databases (gnomAD no frequency). This variant has not been reported in the literature in individuals affected with BRCA2-related conditions. ClinVar contains an entry for this variant (Variation ID: 185307). Invitae Evidence Modeling of protein sequence and biophysical properties (such as structural, functional, and spatial information, amino acid conservation, physicochemical variation, residue mobility, and thermodynamic stability) indicates that this missense variant is not expected to disrupt BRCA2 protein function with a negative predictive value of 95%. In summary, the available evidence is currently insufficient to determine the role of this variant in disease. Therefore, it has been classified as a Variant of Uncertain Significance.

Mendelics
Classification: Uncertain significance for Hereditary cancer. Last evaluated: 2025-06-23. Review status: criteria provided, single submitter. Criteria: ACMG Guidelines, 2015. Collection method: clinical testing. Allele origin: unknown.
Comment: The available evidence is insufficient to conclusively determine the role of this variant. Therefore, it is classified as a Variant of Uncertain Significance.

Color Diagnostics, LLC DBA Color Health
Classification: Uncertain significance for Hereditary cancer-predisposing syndrome. Last evaluated: 2024-07-08. Review status: criteria provided, single submitter. Criteria: ACMG Guidelines, 2015. Collection method: clinical testing. Allele origin: germline.
Comment: This missense variant replaces aspartic acid with glycine at codon 3341 of the BRCA2 protein. Computational prediction suggests that this variant may not impact protein structure and function. To our knowledge, functional studies have not been reported for this variant. This variant has not been reported in individuals affected with BRCA2-related disorders in the literature. This variant has not been identified in the general population by the Genome Aggregation Database (gnomAD). The available evidence is insufficient to determine the role of this variant in disease conclusively. Therefore, this variant is classified as a Variant of Uncertain Significance.